The following is an entry in ClinVar:

ClinVar aggregate classification (germline): Uncertain significance (1 of 4 stars; one submission).

Conditions:
Hereditary spastic paraplegia 64. Also called: Spastic paraplegia 64, autosomal recessive; ENTPD1-Related Neurodevelopmental Disorder. Identifiers: Orphanet 401810, MedGen C3810289, MONDO:0014303, OMIM 615683.

Allele frequency attached by ClinVar (database versions not stated): gnomAD exomes below 0.00001; ExAC 0.00001; gnomAD 0.00001; 1000 Genomes Project 0.00020; 1000 Genomes Project 30x 0.00031.
gnomAD v4.1: 2 of 1,613,994 alleles (0.00012%); highest among the groups gnomAD compares: East Asian, 0.0022%; no homozygotes.

Submission:

Labcorp Genetics (formerly Invitae), Labcorp
Classification: Uncertain significance for Hereditary spastic paraplegia 64. Last evaluated: 2022-06-14. Review status: criteria provided, single submitter. Criteria: Invitae Variant Classification Sherloc (09022015). Collection method: clinical testing. Allele origin: germline.
Comment: In summary, the available evidence is currently insufficient to determine the role of this variant in disease. Therefore, it has been classified as a Variant of Uncertain Significance. Algorithms developed to predict the effect of missense changes on protein structure and function (SIFT, PolyPhen-2, Align-GVGD) all suggest that this variant is likely to be disruptive. This variant has not been reported in the literature in individuals affected with ENTPD1-related conditions. This variant is present in population databases (rs560803005, gnomAD 0.006%). This sequence change replaces tyrosine, which is neutral and polar, with cysteine, which is neutral and slightly polar, at codon 477 of the ENTPD1 protein (p.Tyr477Cys).

NM_001776.6(ENTPD1):c.1430A>G (p.Tyr477Cys)

Genes: ENTPD1 (ectonucleoside triphosphate diphosphohydrolase 1; plus strand), ENTPD1-AS1 (ENTPD1 antisense RNA 1; minus strand). Cytogenetic location: 10q24.1.
Variant type: single nucleotide variant.
Coding change: c.1430A>G on transcript NM_001776.6 (MANE Select); coding-DNA position 1430, A replaced by G.
Protein change: p.Tyr477Cys; replaces tyrosine 477 with cysteine.
Molecular consequence: missense variant. On other transcripts: intron variant (1).
Genome position (GRCh38, 1-based): chr10:95,866,280, A>G. VCF-style: chr10-95866280-A-G. GRCh37 (hg19) VCF-style: chr10-97626037-A-G.
Other names: c.1451A>G, p.Tyr484Cys (NM_001098175.2); c.1466A>G, p.Tyr489Cys (NM_001164178.1); c.1307A>G, p.Tyr436Cys (NM_001164179.2); c.1106A>G, p.Tyr369Cys (NM_001164181.1, NM_001312654.1); c.1016A>G, p.Tyr339Cys (NM_001164182.2, NM_001164183.2); c.1362+1419A>G (NM_001320916.1); short protein forms Y477C, Y339C, Y369C, Y436C, Y484C, Y489C.
Identifiers: ClinVar variation 2080448 (VCV002080448.4), dbSNP rs560803005, ClinGen allele CA5621657.